The following is an entry in ClinVar:

NM_005269.3(GLI1):c.1361del (p.Pro454fs)

Gene: GLI1 (GLI family zinc finger 1; plus strand). Cytogenetic location: 12q13.3.
Variant type: Deletion.
Coding change: c.1361del on transcript NM_005269.3 (MANE Select); coding-DNA position 1361, one base deleted (C; older notation c.1361delC).
Protein change: p.Pro454fs; shifts the reading frame from proline 454.
Molecular consequence: frameshift variant.
Genome position (GRCh38, 1-based): chr12:57,469,483, C deleted; the last of 4 consecutive C bases (chr12:57,469,480-57,469,483); deleting any one gives the same sequence. VCF-style (leftmost placement, unchanged base first): chr12-57469479-TC-T. GRCh37 (hg19) VCF-style: chr12-57863262-TC-T.
Other names: c.977del, p.Pro326fs (NM_001160045.2); c.1238del, p.Pro413fs (NM_001167609.2); short protein forms P326fs, P413fs, P454fs.
Identifiers: ClinVar variation 3026491 (VCV003026491.22), dbSNP rs771400496, ClinGen allele CA237788167.

ClinVar aggregate classification (germline): Pathogenic (1 of 4 stars; one submission).

Submission:

CeGaT Center for Human Genetics Tuebingen
Classification: Pathogenic. Last evaluated: 2023-12-01. Review status: criteria provided, single submitter. Criteria: CeGaT Center For Human Genetics Tuebingen Variant Classification Criteria Version 2. Collection method: clinical testing. Allele origin: germline. Affected: yes. Observed: 1 variant allele.
Comment: GLI1: PVS1, PM2